The following is an entry in ClinVar:

ClinVar aggregate classification (germline): Uncertain significance (1 of 4 stars; one submission).

Conditions:
Cryopyrin associated periodic syndrome (CAPS). Identifiers: Orphanet 208650, MedGen C2316212, MONDO:0016168.

Allele frequency attached by ClinVar (database versions not stated): TOPMed below 0.00001; gnomAD exomes 0.00002 and 0.00007; 1000 Genomes Project 30x 0.00016; 1000 Genomes Project 0.00020; gnomAD 0.00001; ExAC 0.00002.

Submission:

Labcorp Genetics (formerly Invitae), Labcorp
Classification: Uncertain significance for Cryopyrin associated periodic syndrome. Last evaluated: 2024-09-16. Review status: criteria provided, single submitter. Criteria: Invitae Variant Classification Sherloc (09022015). Collection method: clinical testing. Allele origin: germline.
Comment: This sequence change replaces proline, which is neutral and non-polar, with leucine, which is neutral and non-polar, at codon 768 of the NLRP3 protein (p.Pro768Leu). This variant is present in population databases (rs187819424, gnomAD 0.007%). This variant has not been reported in the literature in individuals affected with NLRP3-related conditions. ClinVar contains an entry for this variant (Variation ID: 1041350). Invitae Evidence Modeling of protein sequence and biophysical properties (such as structural, functional, and spatial information, amino acid conservation, physicochemical variation, residue mobility, and thermodynamic stability) has been performed for this missense variant. However, the output from this modeling did not meet the statistical confidence thresholds required to predict the impact of this variant on NLRP3 protein function. In summary, the available evidence is currently insufficient to determine the role of this variant in disease. Therefore, it has been classified as a Variant of Uncertain Significance.

NM_001243133.2(NLRP3):c.2297C>T (p.Pro766Leu)

Gene: NLRP3 (NLR family pyrin domain containing 3; plus strand). Cytogenetic location: 1q44.
Variant type: single nucleotide variant.
Coding change: c.2297C>T on transcript NM_001243133.2 (MANE Select); coding-DNA position 2297, C replaced by T.
Protein change: p.Pro766Leu; replaces proline 766 with leucine.
Molecular consequence: missense variant. On other transcripts: intron variant (2).
Genome position (GRCh38, 1-based): chr1:247,429,731, C>T. VCF-style: chr1-247429731-C-T. GRCh37 (hg19) VCF-style: chr1-247593033-C-T.
Other names: c.2297C>T, p.Pro766Leu (NM_001079821.3, NM_001127461.3); c.2303C>T, p.Pro768Leu (NM_004895.5); c.2150+4132C>T (NM_001127462.3, NM_183395.3); short protein forms P766L, P768L.
Identifiers: ClinVar variation 1041350 (VCV001041350.8), dbSNP rs187819424, ClinGen allele CA1495169.